The following is an entry in ClinVar:

ClinVar aggregate classification (germline): Uncertain significance (1 of 4 stars; one submission).

Submission:

GeneDx
Classification: Uncertain significance. Last evaluated: 2025-06-09. Review status: criteria provided, single submitter. Criteria: GeneDx Variant Classification Process June 2021. Collection method: clinical testing. Allele origin: germline. Affected: yes.
Comment: Has not been previously published as pathogenic or benign to our knowledge; Not observed at significant frequency in large population cohorts (gnomAD); In silico analysis supports that this missense variant has a deleterious effect on protein structure/function

NM_024678.6(NARS2):c.1122G>T (p.Lys374Asn)

Genes: NARS2 (asparaginyl-tRNA synthetase 2, mitochondrial; minus strand), LOC130006506 (ATAC-STARR-seq lymphoblastoid active region 5325; plus strand). Cytogenetic location: 11q14.1.
Variant type: single nucleotide variant.
Coding change: c.1122G>T on transcript NM_024678.6 (MANE Select); coding-DNA position 1122, G replaced by T.
Protein change: p.Lys374Asn; replaces lysine 374 with asparagine.
Molecular consequence: missense variant. On other transcripts: non-coding transcript variant (4), intron variant (2).
Genome position (GRCh38, 1-based): chr11:78,465,918, C>A on the plus strand (G>T on the coding strand, the complement: NARS2 is on the minus strand). VCF-style: chr11-78465918-C-A. GRCh37 (hg19) VCF-style: chr11-78176964-C-A.
Other names: c.441G>T, p.Lys147Asn (NM_001243251.2, NM_001425312.1, NM_001425313.1 and 1 more transcripts); c.1245G>T, p.Lys415Asn (NM_001425299.1); c.1122G>T, p.Lys374Asn (NM_001425300.1, NM_001425305.1); c.1050G>T, p.Lys350Asn (NM_001425301.1); c.1041G>T, p.Lys347Asn (NM_001425302.1, NM_001425303.1); c.894G>T, p.Lys298Asn (NM_001425307.1); c.891G>T, p.Lys297Asn (NM_001425308.1); c.852G>T, p.Lys284Asn (NM_001425309.1); and 4 more; short protein forms K147N, K157N, K188N, K284N, K297N, K298N, K347N, K350N.
Identifiers: ClinVar variation 4537866 (VCV004537866.1).